The following is an entry in ClinVar:

NM_014141.6(CNTNAP2):c.1789C>A (p.Pro597Thr)

Gene: CNTNAP2 (contactin associated protein 2; plus strand). Cytogenetic location: 7q35.
Variant type: single nucleotide variant.
Coding change: c.1789C>A on transcript NM_014141.6 (MANE Select); coding-DNA position 1789, C replaced by A.
Protein change: p.Pro597Thr; replaces proline 597 with threonine.
Molecular consequence: missense variant.
Genome position (GRCh38, 1-based): chr7:147,562,149, C>A. VCF-style: chr7-147562149-C-A. GRCh37 (hg19) VCF-style: chr7-147259241-C-A.
Other names: short protein forms P597T.
Identifiers: ClinVar variation 577735 (VCV000577735.6), dbSNP rs1194751419, ClinGen allele CA369926528.
Genomic context (GRCh38, chr7:147,562,149, plus strand): 5'-AGCCATTTGTTCTGTGCTGTGCTTATGTAGGATATTTTGTTTGTTCTAGCTATCTACGAG[C>A]CTTCCTGTGAAGCCTACAAACACCTAGGACAGACATCAAATTATTACTGGATAGATCCTG-3'
Protein context (NP_054860.1, residues 587-607): GATCHNSIYE[Pro597Thr]SCEAYKHLGQ

ClinVar aggregate classification (germline): Uncertain significance (1 of 4 stars; one submission).

Conditions:
Cortical dysplasia-focal epilepsy syndrome (PTHSL1). Also called: Pitt-Hopkins-like syndrome 1. Identifiers: Orphanet 163681, Orphanet 221150, MedGen C2750246, MONDO:0012400, OMIM 610042.

Allele frequency attached by ClinVar (database versions not stated): TOPMed 0.00001.

Submission:

Labcorp Genetics (formerly Invitae), Labcorp
Classification: Uncertain significance for Cortical dysplasia-focal epilepsy syndrome. Last evaluated: 2021-09-02. Review status: criteria provided, single submitter. Criteria: Invitae Variant Classification Sherloc (09022015). Collection method: clinical testing. Allele origin: germline.
Comment: This sequence change replaces proline with threonine at codon 597 of the CNTNAP2 protein (p.Pro597Thr). The proline residue is moderately conserved and there is a small physicochemical difference between proline and threonine. This variant is not present in population databases (ExAC no frequency). This variant has not been reported in the literature in individuals affected with CNTNAP2-related conditions. Algorithms developed to predict the effect of missense changes on protein structure and function (SIFT, PolyPhen-2, Align-GVGD) all suggest that this variant is likely to be tolerated. In summary, the available evidence is currently insufficient to determine the role of this variant in disease. Therefore, it has been classified as a Variant of Uncertain Significance.